The following is an entry in ClinVar:

NM_018192.4(P3H2):c.1064A>G (p.Asp355Gly)

Gene: P3H2 (prolyl 3-hydroxylase 2; minus strand). Cytogenetic location: 3q28.
Variant type: single nucleotide variant.
Coding change: c.1064A>G on transcript NM_018192.4 (MANE Select); coding-DNA position 1064, A replaced by G.
Protein change: p.Asp355Gly; replaces aspartic acid 355 with glycine.
Molecular consequence: missense variant.
Genome position (GRCh38, 1-based): chr3:189,987,561, T>C on the plus strand (A>G on the coding strand, the complement: P3H2 is on the minus strand). VCF-style: chr3-189987561-T-C. GRCh37 (hg19) VCF-style: chr3-189705350-T-C.
Other names: c.521A>G, p.Asp174Gly (NM_001134418.2); short protein forms D174G, D355G.
Identifiers: ClinVar variation 955726 (VCV000955726.9), dbSNP rs570975925, ClinGen allele CA2753127.
Genomic context (GRCh38, chr3:189,987,561, plus strand): 5'-ATTTCTTTTCAAAACATTGGTCTCACCTCTCTGGCCTCAATGGATGCCGGGTCAATGCTA[T>C]CATCCAGCAGACTCTCATAGTAATCCACATTGTCTAGGACATCCTCATCATCTGGATGGC-3'
Protein context (NP_060662.2, residues 345-365): NVDYYESLLD[Asp355Gly]SIDPASIEAR

ClinVar aggregate classification (germline): Uncertain significance. Review status: criteria provided, multiple submitters, no conflicts (2 of 4 stars). 2 submissions from 2 submitters: Uncertain significance (2). Last evaluated 2025-08-21.

Conditions:
Inborn genetic diseases. Identifiers: MedGen C0950123, MeSH D030342.

Allele frequency attached by ClinVar (database versions not stated): gnomAD below 0.00001 and 0.00002; TOPMed 0.00001; gnomAD exomes 0.00003 and 0.00011; ExAC 0.00015; 1000 Genomes Project 30x 0.00016; 1000 Genomes Project 0.00020.
gnomAD v4.1: 48 of 1,613,710 alleles (0.003%); highest among the groups gnomAD compares: South Asian, 0.041%; no homozygotes.

Submissions (2):

Labcorp Genetics (formerly Invitae), Labcorp
Classification: Uncertain significance. Last evaluated: 2025-08-21. Review status: criteria provided, single submitter. Criteria: Invitae Variant Classification Sherloc (09022015). Collection method: clinical testing. Allele origin: germline.
Comment: This sequence change replaces aspartic acid, which is acidic and polar, with glycine, which is neutral and non-polar, at codon 355 of the P3H2 protein (p.Asp355Gly). This variant is present in population databases (rs570975925, gnomAD 0.08%). This variant has not been reported in the literature in individuals affected with P3H2-related conditions. ClinVar contains an entry for this variant (Variation ID: 955726). Invitae Evidence Modeling of protein sequence and biophysical properties (such as structural, functional, and spatial information, amino acid conservation, physicochemical variation, residue mobility, and thermodynamic stability) indicates that this missense variant is not expected to disrupt P3H2 protein function with a negative predictive value of 80%. In summary, the available evidence is currently insufficient to determine the role of this variant in disease. Therefore, it has been classified as a Variant of Uncertain Significance.

Ambry Genetics
Classification: Uncertain significance for Inborn genetic diseases. Last evaluated: 2024-11-08. Review status: criteria provided, single submitter. Criteria: Ambry Variant Classification Scheme 2023. Collection method: clinical testing. Allele origin: germline.